The following is an entry in ClinVar:

ClinVar aggregate classification (germline): Likely benign. Review status: criteria provided, multiple submitters, no conflicts (2 of 4 stars). 2 submissions from 2 submitters: Likely benign (2). Last evaluated 2026-04-28.

Conditions:
Hereditary cancer-predisposing syndrome. Also called: Neoplastic Syndromes, Hereditary; Tumor predisposition; Hereditary Cancer Syndrome; Hereditary neoplastic syndrome. Identifiers: Orphanet 140162, MedGen C0027672, MeSH D009386, MONDO:0015356.

gnomAD v4.1: 1 of 1,602,848 alleles (0.000062%); no homozygotes.

Submissions (2):

Ambry Genetics
Classification: Likely benign for Hereditary cancer-predisposing syndrome. Last evaluated: 2026-04-28. Review status: criteria provided, single submitter. Criteria: Ambry Variant Classification Scheme 2023. Collection method: clinical testing. Allele origin: germline.

CeGaT Center for Human Genetics Tuebingen
Classification: Likely benign. Last evaluated: 2025-08-01. Review status: criteria provided, single submitter. Criteria: CeGaT Center For Human Genetics Tuebingen Variant Classification Criteria Version 2. Collection method: clinical testing. Allele origin: germline. Affected: yes. Observed: 1 variant allele.
Comment: TSC2: BP4, BP7

NM_000548.5(TSC2):c.4962T>C (p.Gly1654=)

Gene: TSC2 (TSC complex subunit 2; plus strand). Cytogenetic location: 16p13.3.
Variant type: single nucleotide variant.
Coding change: c.4962T>C on transcript NM_000548.5 (MANE Select); coding-DNA position 4962, T replaced by C.
Protein change: p.Gly1654=; no amino-acid change (glycine 1654 retained).
Molecular consequence: synonymous variant. On other transcripts: non-coding transcript variant (5).
Genome position (GRCh38, 1-based): chr16:2,086,844, T>C. VCF-style: chr16-2086844-T-C. GRCh37 (hg19) VCF-style: chr16-2136845-T-C.
Other names: c.4761T>C, p.Gly1587= (NM_001077183.3); c.4893T>C, p.Gly1631= (NM_001114382.3); c.4653T>C, p.Gly1551= (NM_001318827.2); c.4617T>C, p.Gly1539= (NM_001318829.2); c.4230T>C, p.Gly1410= (NM_001318831.2); c.4794T>C, p.Gly1598= (NM_001318832.2); c.4764T>C, p.Gly1588= (NM_001363528.2); c.4830T>C, p.Gly1610= (NM_001370404.1); and 26 more.
Identifiers: ClinVar variation 4084243 (VCV004084243.9).